The following is an entry in ClinVar:

NM_000465.4(BARD1):c.1308T>C (p.Ser436=)

Gene: BARD1 (BRCA1 associated RING domain 1; minus strand). Cytogenetic location: 2q35.
Variant type: single nucleotide variant.
Coding change: c.1308T>C on transcript NM_000465.4 (MANE Select); coding-DNA position 1308, T replaced by C.
Protein change: p.Ser436=; no amino-acid change (serine 436 retained).
Molecular consequence: synonymous variant. On other transcripts: non-coding transcript variant (2), intron variant (3).
Genome position (GRCh38, 1-based): chr2:214,780,566, A>G on the plus strand (T>C on the coding strand, the complement: BARD1 is on the minus strand). VCF-style: chr2-214780566-A-G. GRCh37 (hg19) VCF-style: chr2-215645290-A-G.
Other names: c.1251T>C, p.Ser417= (NM_001282543.2); c.159-28011T>C (NM_001282548.2); c.215+16495T>C (NM_001282545.2); c.364+11731T>C (NM_001282549.2).
Identifiers: ClinVar variation 2000617 (VCV002000617.5), dbSNP rs786203605, ClinGen allele CA431390836.
Genomic context (GRCh38, chr2:214,780,566, plus strand): 5'-ATTGCTTTATAGTTGGCCTCATTCTGAGATGGTATTTCAGAGTAAGCATCCTACCTTAAT[A>G]GAAGCAATATGGAGCAAAGTCTCTCCTCTATGATTTCTTTTCACAGCCATATTGGGCAAC-3'
Protein context (NP_000456.2, residues 426-446): HRGETLLHIA[Ser436=]IKGDIPSVEY

ClinVar aggregate classification (germline): Benign/Likely benign. Review status: criteria provided, multiple submitters, no conflicts (2 of 4 stars). 2 submissions from 2 submitters: Benign (1); Likely benign (1). Last evaluated 2026-02-03.

Conditions:
Familial cancer of breast. Also called: hereditary breast carcinoma; Hereditary breast cancer; BREAST CANCER, FAMILIAL. Identifiers: Orphanet 227535, MedGen C0346153, MONDO:0016419, OMIM 114480. Disease mechanism: loss of function.

Submissions (2):

Labcorp Genetics (formerly Invitae), Labcorp
Classification: Likely benign for Familial cancer of breast. Last evaluated: 2026-02-03. Review status: criteria provided, single submitter. Criteria: Invitae Variant Classification Sherloc (09022015). Collection method: clinical testing. Allele origin: germline.

Myriad Genetics, Inc.
Classification: Benign for Familial cancer of breast. Last evaluated: 2024-07-24. Review status: criteria provided, single submitter. Criteria: Myriad Autosomal Dominant, Autosomal Recessive and X-Linked Classification Criteria (2023). Collection method: clinical testing. Allele origin: unknown.
Comment: This variant is considered benign. This variant is a silent/synonymous amino acid change and it is not expected to impact splicing.